The following is an entry in ClinVar:

ClinVar aggregate classification (germline): Likely pathogenic. Review status: criteria provided, multiple submitters, no conflicts (2 of 4 stars). 2 submissions from 2 submitters: Likely pathogenic (2). Last evaluated 2023-08-29.

Conditions:
Bifunctional peroxisomal enzyme deficiency (DBIF). Also called: DBP DEFICIENCY; D-bifunctional protein deficiency; PBFE DEFICIENCY. Identifiers: Orphanet 300, MedGen C0342870, MONDO:0009855, OMIM 261515. Disease mechanism: loss of function.
Perrault syndrome. Also called: Gonadal dysgenesis with auditory dysfunction, autosomal recessive inheritance. Identifiers: Orphanet 2855, MedGen C0685838, MONDO:0017312.

Allele frequency attached by ClinVar (database versions not stated): gnomAD exomes below 0.00001.
gnomAD v4.1: 1 of 1,553,330 alleles (0.000064%); highest among the groups gnomAD compares: Non-Finnish European, 0.000089%; no homozygotes.

Submissions (2):

Baylor Genetics
Classification: Likely pathogenic for Bifunctional peroxisomal enzyme deficiency. Last evaluated: 2023-08-29. Review status: criteria provided, single submitter. Criteria: ACMG Guidelines, 2015. Collection method: clinical testing. Allele origin: unknown.

Labcorp Genetics (formerly Invitae), Labcorp
Classification: Likely pathogenic for Perrault syndrome; Bifunctional peroxisomal enzyme deficiency. Last evaluated: 2023-03-12. Review status: criteria provided, single submitter. Criteria: Invitae Variant Classification Sherloc (09022015). Collection method: clinical testing. Allele origin: germline.
Comment: This variant has not been reported in the literature in individuals affected with HSD17B4-related conditions. In summary, the currently available evidence indicates that the variant is pathogenic, but additional data are needed to prove that conclusively. Therefore, this variant has been classified as Likely Pathogenic. Algorithms developed to predict the effect of sequence changes on RNA splicing suggest that this variant may disrupt the consensus splice site. This variant is not present in population databases (gnomAD no frequency). This sequence change affects a donor splice site in intron 17 of the HSD17B4 gene. It is expected to disrupt RNA splicing. Variants that disrupt the donor or acceptor splice site typically lead to a loss of protein function (PMID: 16199547), and loss-of-function variants in HSD17B4 are known to be pathogenic (PMID: 11810648, 16385454, 20673864).

Literature cited by the submitters: PubMed 16199547 (cited by Labcorp Genetics (formerly Invitae), Labcorp); PubMed 11810648 (cited by Labcorp Genetics (formerly Invitae), Labcorp); PubMed 16385454 (cited by Labcorp Genetics (formerly Invitae), Labcorp); PubMed 20673864 (cited by Labcorp Genetics (formerly Invitae), Labcorp).

NM_000414.4(HSD17B4):c.1503+1G>A

Gene: HSD17B4 (hydroxysteroid 17-beta dehydrogenase 4; plus strand). Cytogenetic location: 5q23.1.
Variant type: single nucleotide variant.
Coding change: c.1503+1G>A on transcript NM_000414.4 (MANE Select); the canonical splice donor site of the intron after coding-DNA position 1503, G replaced by A.
Molecular consequence: splice donor variant.
Genome position (GRCh38, 1-based): chr5:119,515,047, G>A. VCF-style: chr5-119515047-G-A. GRCh37 (hg19) VCF-style: chr5-118850742-G-A.
Other names: c.1092+1G>A (NM_001374502.1, NM_001374501.1, NM_001374503.1); c.1062+1G>A (NM_001374500.1); c.1083+1G>A (NM_001292028.2); c.1431+1G>A (NM_001374498.1, NM_001292027.2); c.1494+1G>A (NM_001374497.1); c.1449+1G>A (NM_001199292.2); c.1578+1G>A (NM_001199291.3); c.1176+1G>A (NM_001374499.1).
Identifiers: ClinVar variation 2676144 (VCV002676144.4), dbSNP rs2531841327, ClinGen allele CA360869018.